The following is an entry in ClinVar:

NM_005633.4(SOS1):c.1458A>G (p.Ala486=)

Gene: SOS1 (SOS Ras/Rac guanine nucleotide exchange factor 1; minus strand). Cytogenetic location: 2p22.1.
Variant type: single nucleotide variant.
Coding change: c.1458A>G on transcript NM_005633.4 (MANE Select); coding-DNA position 1458, A replaced by G.
Protein change: p.Ala486=; no amino-acid change (alanine 486 retained).
Molecular consequence: synonymous variant.
Genome position (GRCh38, 1-based): chr2:39,022,970, T>C on the plus strand (A>G on the coding strand, the complement: SOS1 is on the minus strand). VCF-style: chr2-39022970-T-C. GRCh37 (hg19) VCF-style: chr2-39250111-T-C.
Other names: c.1437A>G, p.Ala479= (NM_001382394.1); c.1458A>G, p.Ala486= (NM_001382395.1).
Identifiers: ClinVar variation 509613 (VCV000509613.5), dbSNP rs772746896, ClinGen allele CA1624596.
Genomic context (GRCh38, chr2:39,022,970, plus strand): 5'-GTCATCTTTATCATTAATTTGTACCTTTCGCATAAAAAACTTTTCTTTAAGACGATATTC[T>C]GCATTGCTAGCACCAGGAAGTCTTGGCTGCCCATGATTTGATTTACAGCAAATCATTAAG-3'
Protein context (NP_005624.2, residues 476-496): GQPRLPGASN[Ala486=]EYRLKEKFFM

ClinVar aggregate classification (germline): Likely benign. Review status: criteria provided, multiple submitters, no conflicts (2 of 4 stars). 5 submissions from 4 submitters: Likely benign (5). Last evaluated 2025-09-08.

Conditions:
Cardiovascular phenotype. Identifiers: MedGen CN230736.
RASopathy. Also called: Noonan spectrum disorder; rasopathies. Identifiers: Orphanet 536391, MedGen C5555857, MONDO:0021060.
Noonan syndrome 4 (NS4). Also called: SOS1-Related Noonan Syndrome; NOONAN SYNDROME WITH PIGMENTED VILLONODULAR SYNOVITIS. Identifiers: Orphanet 648, MedGen C1853120, MONDO:0012547, OMIM 610733.
Fibromatosis, gingival, 1 (GINGF1). Identifiers: Orphanet 2024, MedGen C4551558, MONDO:0007609, OMIM 135300.

Allele frequency attached by ClinVar (database versions not stated): gnomAD exomes below 0.00001; TOPMed below 0.00001; ExAC 0.00001; gnomAD 0.00001.
gnomAD v4.1: 2 of 1,613,764 alleles (0.00012%); highest among the groups gnomAD compares: African/African-American, 0.0027%; no homozygotes.

Submissions (5):

Labcorp Genetics (formerly Invitae), Labcorp
Classification: Likely benign for RASopathy. Last evaluated: 2025-09-08. Review status: criteria provided, single submitter. Criteria: Invitae Variant Classification Sherloc (09022015). Collection method: clinical testing. Allele origin: germline.

Ambry Genetics
Classification: Likely benign for Cardiovascular phenotype. Last evaluated: 2021-12-24. Review status: criteria provided, single submitter. Criteria: Ambry Variant Classification Scheme 2023. Collection method: clinical testing. Allele origin: germline.

GeneDx
Classification: Likely benign. Last evaluated: 2017-05-15. Review status: criteria provided, single submitter. Criteria: GeneDx Variant Classification (06012015). Collection method: clinical testing. Allele origin: germline. Affected: yes.
Comment: This variant is considered likely benign or benign based on one or more of the following criteria: it is a conservative change, it occurs at a poorly conserved position in the protein, it is predicted to be benign by multiple in silico algorithms, and/or has population frequency not consistent with disease.

Genome-Nilou Lab
Classification: Likely benign for Noonan syndrome 4. Review status: criteria provided, single submitter. Criteria: ACMG Guidelines, 2015. Collection method: clinical testing. Allele origin: germline.

Genome-Nilou Lab
Classification: Likely benign for Fibromatosis, gingival, 1. Review status: criteria provided, single submitter. Criteria: ACMG Guidelines, 2015. Collection method: clinical testing. Allele origin: germline.